The following is an entry in ClinVar:

ClinVar aggregate classification (germline): Benign. Review status: criteria provided, multiple submitters, no conflicts (2 of 4 stars). 3 submissions from 3 submitters: Benign (2). 1 of the submissions does not count toward it. Last evaluated 2025-10-02.

Conditions:
Hereditary diffuse leukoencephalopathy with spheroids. Also called: LEUKOENCEPHALOPATHY, ADULT-ONSET, WITH AXONAL SPHEROIDS AND PIGMENTED GLIA. Identifiers: Orphanet 313808, MedGen C3711381, MONDO:0030796.
CSF1R-related disorder. Also called: CSF1R-related condition. Identifiers: MedGen CN379780, MONDO:0100632.

Allele frequency attached by ClinVar (database versions not stated): gnomAD 0.00010; TOPMed 0.00011; ESP Exome Variant Server 0.00015; ExAC 0.00022.
gnomAD v4.1: 182 of 1,613,988 alleles (0.011%); highest among the groups gnomAD compares: Admixed American, 0.032%; no homozygotes.

Submissions (4):

Labcorp Genetics (formerly Invitae), Labcorp
Classification: Benign. Last evaluated: 2025-10-02. Review status: criteria provided, single submitter. Criteria: Invitae Variant Classification Sherloc (09022015). Collection method: clinical testing. Allele origin: germline.

Illumina Laboratory Services, Illumina
Classification: Benign for Leukoencephalopathy, diffuse hereditary, with spheroids 1. Last evaluated: 2018-01-12. Review status: criteria provided, single submitter. Criteria: ICSL Variant Classification Criteria 13 December 2019. Collection method: clinical testing. Allele origin: germline.
Comment: This variant was observed in the ICSL laboratory as part of a predisposition screen in an ostensibly healthy population. It had not been previously curated by ICSL or reported in the Human Gene Mutation Database (HGMD: prior to June 1st, 2018), and was therefore a candidate for classification through an automated scoring system. Utilizing variant allele frequency, disease prevalence and penetrance estimates, and inheritance mode, an automated score was calculated to assess if this variant is too frequent to cause the disease. Based on the score and internal cut-off values, a variant classified as benign is not then subjected to further curation. The score for this variant resulted in a classification of benign for this disease.

PreventionGenetics, part of Exact Sciences
Classification: Likely benign for CSF1R-related condition. Last evaluated: 2022-09-29. Review status: no assertion criteria provided. Collection method: clinical testing. Allele origin: germline. Not counted in ClinVar's aggregate classification.
Comment: This variant is classified as likely benign based on ACMG/AMP sequence variant interpretation guidelines (Richards et al. 2015 PMID: 25741868, with internal and published modifications).

Dr. Peter K. Rogan Lab, Western University
No classification provided (evidence only). Condition: Sarcoma. Review status: no classification provided. Collection method: in vitro. Allele origin: not applicable. Functional consequence: retained intron. Not counted in ClinVar's aggregate classification.

NM_001288705.3(CSF1R):c.2761C>T (p.Arg921Trp)

Gene: CSF1R (colony stimulating factor 1 receptor; minus strand). Cytogenetic location: 5q32.
Variant type: single nucleotide variant.
Coding change: c.2761C>T on transcript NM_001288705.3 (MANE Select); coding-DNA position 2761, C replaced by T.
Protein change: p.Arg921Trp; replaces arginine 921 with tryptophan.
Molecular consequence: missense variant. On other transcripts: non-coding transcript variant (2).
Genome position (GRCh38, 1-based): chr5:150,054,324, G>A on the plus strand (C>T on the coding strand, the complement: CSF1R is on the minus strand). VCF-style: chr5-150054324-G-A. GRCh37 (hg19) VCF-style: chr5-149433887-G-A.
Other names: c.2761C>T, p.Arg921Trp (NM_001349736.2, NM_001375320.1, NM_005211.4); c.2317C>T, p.Arg773Trp (NM_001375321.1); short protein forms R921W, R773W.
Identifiers: ClinVar variation 352128 (VCV000352128.15), dbSNP rs202216061, ClinGen allele CA3506364.